The following is an entry in ClinVar:

NM_033380.3(COL4A5):c.1286G>A (p.Gly429Glu)

Gene: COL4A5 (collagen type IV alpha 5 chain; plus strand). Cytogenetic location: Xq22.3.
Variant type: single nucleotide variant.
Coding change: c.1286G>A on transcript NM_033380.3 (MANE Select); coding-DNA position 1286, G replaced by A.
Protein change: p.Gly429Glu; replaces glycine 429 with glutamic acid.
Molecular consequence: missense variant.
Genome position (GRCh38, 1-based): chrX:108,591,178, G>A. VCF-style: chrX-108591178-G-A. GRCh37 (hg19) VCF-style: chrX-107834408-G-A.
Other names: c.1286G>A, p.Gly429Glu (NM_000495.5); short protein forms G429E.
Identifiers: ClinVar variation 24395 (VCV000024395.13), dbSNP rs104886112, ClinGen allele CA258453.

ClinVar aggregate classification (germline): Pathogenic/Likely pathogenic. Review status: criteria provided, multiple submitters, no conflicts (2 of 4 stars). 3 submissions from 3 submitters: Pathogenic (1); Likely pathogenic (2). Last evaluated 2023-12-08.

Conditions:
X-linked Alport syndrome (ATS1). Also called: COL4A5-Related Nephropathy; NEPHROPATHY AND DEAFNESS, X-LINKED. Identifiers: Orphanet 63, Orphanet 88917, MedGen C4746986, MONDO:0010520, OMIM 301050.

Submissions (3):

3billion
Classification: Likely pathogenic for X-linked Alport syndrome. Last evaluated: 2023-12-08. Review status: criteria provided, single submitter. Criteria: ACMG Guidelines, 2015. Collection method: clinical testing. Allele origin: germline. Affected: yes.
Comment: The variant is not observed in the gnomAD v2.1.1 dataset. Predicted Consequence/Location: The variant is located in a mutational hot spot and/or well-established functional domain in which established pathogenic variants have been reported. In silico tool predictions suggest damaging effect of the variant on gene or gene product [REVEL: 0.97 (>=0.6, sensitivity 0.68 and specificity 0.92); 3Cnet: 0.82 (>=0.6, sensitivity 0.72 and precision 0.9)]. Same nucleotide change resulting in same amino acid change has been previously reported to be associated with COL4A5 related disorder (ClinVar ID: VCV000024395 /PMID: 17660027). Therefore, this variant is classified as Likely pathogenic according to the recommendation of ACMG/AMP guideline.

Labcorp Genetics (formerly Invitae), Labcorp
Classification: Pathogenic. Last evaluated: 2020-02-29. Review status: criteria provided, single submitter. Criteria: Invitae Variant Classification Sherloc (09022015). Collection method: clinical testing. Allele origin: germline.
Comment: This variant is not present in population databases (ExAC no frequency). For these reasons, this variant has been classified as Pathogenic. Glycine residues within the Gly-Xaa-Yaa repeats of the triple helix domain are required for the structure and stability of fibrillar collagens (PMID: 7695699, 8218237, 19344236). In COL4A5, missense variants at these glycine residues are significantly enriched in individuals with disease (PMID: 23720012, 27627812) compared to the general population (ExAC). This variant has been observed in individual(s) with Alport syndrome (PMID: 17660027, Invitae). ClinVar contains an entry for this variant (Variation ID: 24395). This sequence change replaces glycine with glutamic acid at codon 429 of the COL4A5 protein (p.Gly429Glu). The glycine residue is moderately conserved and there is a moderate physicochemical difference between glycine and glutamic acid.

Juno Genomics, Hangzhou Juno Genomics, Inc
Classification: Likely pathogenic for X-linked Alport syndrome. Review status: criteria provided, single submitter. Criteria: ACMG Guidelines, 2015. Collection method: clinical testing. Allele origin: germline. Affected: yes.
Comment: Absent from controls (or at extremely low frequency if recessive) in Genome Aggregation Database.;Multiple lines of computational evidence support a deleterious effect on the gene or gene product.;The prevalence of the variant in affected individuals is significantly increased compared to the prevalence in controls.;Patient's phenotype or family history is highly specific for a disease with a single genetic etiology.

Literature cited by the submitters: PubMed 17660027 (cited by 3billion and Labcorp Genetics (formerly Invitae), Labcorp); PubMed 7695699 (cited by Labcorp Genetics (formerly Invitae), Labcorp); PubMed 8218237 (cited by Labcorp Genetics (formerly Invitae), Labcorp); PubMed 19344236 (cited by Labcorp Genetics (formerly Invitae), Labcorp); PubMed 23720012 (cited by Labcorp Genetics (formerly Invitae), Labcorp); PubMed 27627812 (cited by Labcorp Genetics (formerly Invitae), Labcorp).